The following is an entry in ClinVar:

ClinVar aggregate classification (germline): Likely benign (0 of 4 stars; one submission).

Conditions:
GRWD1-related disorder. Also called: GRWD1-related condition.

gnomAD v4.1: 53 of 1,614,066 alleles (0.0033%); highest among the groups gnomAD compares: East Asian, 0.016%; no homozygotes.

Submission:

PreventionGenetics, part of Exact Sciences
Classification: Likely benign for GRWD1-related condition. Last evaluated: 2019-05-24. Review status: no assertion criteria provided. Collection method: clinical testing. Allele origin: germline.
Comment: This variant is classified as likely benign based on ACMG/AMP sequence variant interpretation guidelines (Richards et al. 2015 PMID: 25741868, with internal and published modifications).

NM_031485.4(GRWD1):c.753C>T (p.His251=)

Gene: GRWD1 (glutamate rich WD repeat containing 1; plus strand). Cytogenetic location: 19q13.33.
Variant type: single nucleotide variant.
Coding change: c.753C>T on transcript NM_031485.4 (MANE Select); coding-DNA position 753, C replaced by T.
Protein change: p.His251=; no amino-acid change (histidine 251 retained).
Molecular consequence: synonymous variant.
Genome position (GRCh38, 1-based): chr19:48,450,736, C>T. VCF-style: chr19-48450736-C-T. GRCh37 (hg19) VCF-style: chr19-48953993-C-T.
Identifiers: ClinVar variation 3039031 (VCV003039031.2), dbSNP rs766182030, ClinGen allele CA9551135.